The following is an entry in ClinVar:

NM_000051.4(ATM):c.8011-6del

Genes: ATM (ATM serine/threonine kinase; plus strand), C11orf65 (chromosome 11 open reading frame 65; minus strand). Cytogenetic location: 11q22.3.
Variant type: Deletion.
Coding change: c.8011-6del on transcript NM_000051.4 (MANE Select); 6 bases into the intron before coding-DNA position 8011, one base deleted (T; older notation c.8011-6delT).
Molecular consequence: intron variant.
Genome position (GRCh38, 1-based): chr11:108,334,963, T deleted; the last of 4 consecutive T bases (chr11:108,334,960-108,334,963); deleting any one gives the same sequence. VCF-style (leftmost placement, unchanged base first): chr11-108334959-CT-C. GRCh37 (hg19) VCF-style: chr11-108205686-CT-C.
Other names: c.8011-6del (NM_001351834.2); c.641-25889del (NM_001330368.2); c.*38+260del (NM_001351110.2).
Identifiers: ClinVar variation 3254077 (VCV003254077.1), dbSNP rs2547327806.

ClinVar aggregate classification (germline): Likely benign (1 of 4 stars; one submission).

Conditions:
Familial cancer of breast. Also called: hereditary breast carcinoma; BREAST CANCER, FAMILIAL; Hereditary breast cancer. Identifiers: Orphanet 227535, MedGen C0346153, MONDO:0016419, OMIM 114480. Disease mechanism: loss of function.

Submission:

Myriad Genetics, Inc.
Classification: Likely benign for Familial cancer of breast. Last evaluated: 2024-06-18. Review status: criteria provided, single submitter. Criteria: Myriad Autosomal Dominant, Autosomal Recessive and X-Linked Classification Criteria (2023). Collection method: clinical testing. Allele origin: unknown.
Comment: This variant is considered likely benign. This variant is intronic and is not expected to impact mRNA splicing.